The following is an entry in ClinVar:

ClinVar aggregate classification (germline): Uncertain significance. Review status: criteria provided, multiple submitters, no conflicts (2 of 4 stars). 3 submissions from 3 submitters: Uncertain significance (3). Last evaluated 2025-08-26.

Conditions:
Fanconi anemia (FA). Also called: Fanconi's anemia. Identifiers: Orphanet 84, MedGen C0015625, MeSH D005199, MONDO:0019391.
Spermatogenic failure 28. Identifiers: MedGen C4748117, MONDO:0054732, OMIM 618086.
Premature ovarian failure 15. Identifiers: MedGen C4748170, MONDO:0054862, OMIM 618096.
Hereditary breast ovarian cancer syndrome. Also called: Hereditary breast and/or ovarian cancer syndrome; Hereditary breast and ovarian cancer syndrome (HBOC); Breast and ovarian cancer; Hereditary breast and ovarian cancer; BRCA1- and BRCA2-Associated Hereditary Breast and Ovarian Cancer; Hereditary breast and ovarian cancer syndrome. Identifiers: Orphanet 145, MedGen C0677776, MeSH D061325, MONDO:0003582. Disease mechanism: loss of function.

gnomAD v4.1: 5 of 1,603,302 alleles (0.00031%); highest among the groups gnomAD compares: East Asian, 0.011%; no homozygotes.

Submissions (3):

Labcorp Genetics (formerly Invitae), Labcorp
Classification: Uncertain significance for Fanconi anemia. Last evaluated: 2025-08-26. Review status: criteria provided, single submitter. Criteria: Invitae Variant Classification Sherloc (09022015). Collection method: clinical testing. Allele origin: germline.
Comment: This sequence change replaces isoleucine, which is neutral and non-polar, with leucine, which is neutral and non-polar, at codon 1460 of the FANCM protein (p.Ile1460Leu). This variant is present in population databases (rs78211950, gnomAD 0.01%). This variant has not been reported in the literature in individuals affected with FANCM-related conditions. ClinVar contains an entry for this variant (Variation ID: 830250). An algorithm developed to predict the effect of missense changes on protein structure and function outputs the following: PolyPhen-2: "Benign". The leucine amino acid residue is found in multiple mammalian species, which suggests that this missense change does not adversely affect protein function. In summary, the available evidence is currently insufficient to determine the role of this variant in disease. Therefore, it has been classified as a Variant of Uncertain Significance.

Cancer Genomics Group, Japanese Foundation For Cancer Research
Classification: Uncertain significance for Hereditary breast ovarian cancer syndrome. Last evaluated: 2022-03-30. Review status: criteria provided, single submitter. Criteria: ACMG Guidelines, 2015. Collection method: research. Allele origin: germline. Affected: yes.

Fulgent Genetics
Classification: Uncertain significance for Spermatogenic failure 28; Premature ovarian failure 15. Last evaluated: 2022-02-18. Review status: criteria provided, single submitter. Criteria: ACMG Guidelines, 2015. Collection method: clinical testing. Allele origin: unknown.

NM_020937.4(FANCM):c.4378A>C (p.Ile1460Leu)

Gene: FANCM (FA complementation group M; plus strand). Cytogenetic location: 14q21.2.
Variant type: single nucleotide variant.
Coding change: c.4378A>C on transcript NM_020937.4 (MANE Select); coding-DNA position 4378, A replaced by C.
Protein change: p.Ile1460Leu; replaces isoleucine 1460 with leucine.
Molecular consequence: missense variant.
Genome position (GRCh38, 1-based): chr14:45,181,697, A>C. VCF-style: chr14-45181697-A-C. GRCh37 (hg19) VCF-style: chr14-45650900-A-C.
Other names: c.4300A>C, p.Ile1434Leu (NM_001308133.2); short protein forms I1434L, I1460L.
Identifiers: ClinVar variation 830250 (VCV000830250.5), dbSNP rs78211950, ClinGen allele CA7169712.